The following is an entry in ClinVar:

ClinVar aggregate classification (germline): Uncertain significance. Review status: criteria provided, multiple submitters, no conflicts (2 of 4 stars). 2 submissions from 2 submitters: Uncertain significance (2). Last evaluated 2025-10-03.

Allele frequency attached by ClinVar (database versions not stated): gnomAD 0.00013; TOPMed 0.00034.
gnomAD v4.1: 40 of 1,614,094 alleles (0.0025%); highest among the groups gnomAD compares: Admixed American, 0.047%; no homozygotes.

Submissions (2):

Ambry Genetics
Classification: Uncertain significance. Last evaluated: 2025-10-03. Review status: criteria provided, single submitter. Criteria: Ambry Variant Classification Scheme 2023. Collection method: clinical testing. Allele origin: germline.

Labcorp Genetics (formerly Invitae), Labcorp
Classification: Uncertain significance. Last evaluated: 2024-08-30. Review status: criteria provided, single submitter. Criteria: Invitae Variant Classification Sherloc (09022015). Collection method: clinical testing. Allele origin: germline.
Comment: This sequence change replaces histidine, which is basic and polar, with tyrosine, which is neutral and polar, at codon 2445 of the FAT2 protein (p.His2445Tyr). This variant is present in population databases (no rsID available, gnomAD 0.003%). This variant has not been reported in the literature in individuals affected with FAT2-related conditions. ClinVar contains an entry for this variant (Variation ID: 2590615). Invitae Evidence Modeling of protein sequence and biophysical properties (such as structural, functional, and spatial information, amino acid conservation, physicochemical variation, residue mobility, and thermodynamic stability) has been performed for this missense variant. However, the output from this modeling did not meet the statistical confidence thresholds required to predict the impact of this variant on FAT2 protein function. In summary, the available evidence is currently insufficient to determine the role of this variant in disease. Therefore, it has been classified as a Variant of Uncertain Significance.

NM_001447.3(FAT2):c.7333C>T (p.His2445Tyr)

Genes: FAT2 (FAT atypical cadherin 2; minus strand), SLC36A1 (solute carrier family 36 member 1; plus strand). Cytogenetic location: 5q33.1.
Variant type: single nucleotide variant.
Coding change: c.7333C>T on transcript NM_001447.3 (MANE Select); coding-DNA position 7333, C replaced by T.
Protein change: p.His2445Tyr; replaces histidine 2445 with tyrosine.
Molecular consequence: missense variant.
Genome position (GRCh38, 1-based): chr5:151,543,794, G>A on the plus strand (C>T on the coding strand, the complement: FAT2 is on the minus strand). VCF-style: chr5-151543794-G-A. GRCh37 (hg19) VCF-style: chr5-150923355-G-A.
Other names: short protein forms H2445Y.
Identifiers: ClinVar variation 2590615 (VCV002590615.6), dbSNP rs907681026, ClinGen allele CA129959029.